The following is an entry in ClinVar:

NM_015909.4(NBAS):c.1991A>G (p.Glu664Gly)

Gene: NBAS (NBAS subunit of NRZ tethering complex; minus strand). Cytogenetic location: 2p24.3.
Variant type: single nucleotide variant.
Coding change: c.1991A>G on transcript NM_015909.4 (MANE Select); coding-DNA position 1991, A replaced by G.
Protein change: p.Glu664Gly; replaces glutamic acid 664 with glycine.
Molecular consequence: missense variant. On other transcripts: non-coding transcript variant (1).
Genome position (GRCh38, 1-based): chr2:15,467,691, T>C on the plus strand (A>G on the coding strand, the complement: NBAS is on the minus strand). VCF-style: chr2-15467691-T-C. GRCh37 (hg19) VCF-style: chr2-15607815-T-C.
Other names: short protein forms E664G.
Identifiers: ClinVar variation 2082287 (VCV002082287.1), dbSNP rs1679782044, ClinGen allele CA345882782.

ClinVar aggregate classification (germline): Uncertain significance (1 of 4 stars; one submission).

Allele frequency attached by ClinVar (database versions not stated): gnomAD exomes below 0.00001; TOPMed below 0.00001.
gnomAD v4.1: 2 of 1,612,806 alleles (0.00012%); highest among the groups gnomAD compares: East Asian, 0.0045%; no homozygotes.

Submission:

Labcorp Genetics (formerly Invitae), Labcorp
Classification: Uncertain significance. Last evaluated: 2022-01-13. Review status: criteria provided, single submitter. Criteria: Invitae Variant Classification Sherloc (09022015). Collection method: clinical testing. Allele origin: germline.
Comment: This sequence change replaces glutamic acid, which is acidic and polar, with glycine, which is neutral and non-polar, at codon 664 of the NBAS protein (p.Glu664Gly). This variant is not present in population databases (gnomAD no frequency). This variant has not been reported in the literature in individuals affected with NBAS-related conditions. Algorithms developed to predict the effect of missense changes on protein structure and function are either unavailable or do not agree on the potential impact of this missense change (SIFT: "Deleterious"; PolyPhen-2: "Benign"; Align-GVGD: "Class C65"). In summary, the available evidence is currently insufficient to determine the role of this variant in disease. Therefore, it has been classified as a Variant of Uncertain Significance.